The following is an entry in ClinVar:

NM_006035.4(CDC42BPB):c.1575G>A (p.Thr525=)

Gene: CDC42BPB (CDC42 binding protein kinase beta; minus strand). Cytogenetic location: 14q32.32.
Variant type: single nucleotide variant.
Coding change: c.1575G>A on transcript NM_006035.4 (MANE Select); coding-DNA position 1575, G replaced by A.
Protein change: p.Thr525=; no amino-acid change (threonine 525 retained).
Molecular consequence: synonymous variant.
Genome position (GRCh38, 1-based): chr14:102,974,082, C>T on the plus strand (G>A on the coding strand, the complement: CDC42BPB is on the minus strand). VCF-style: chr14-102974082-C-T. GRCh37 (hg19) VCF-style: chr14-103440419-C-T.
Other names: c.1575G>A, p.Thr525= (NM_001411054.1).
Identifiers: ClinVar variation 2644588 (VCV002644588.25), dbSNP rs34979240, ClinGen allele CA7361341.

ClinVar aggregate classification (germline): Likely benign. Review status: criteria provided, multiple submitters, no conflicts (2 of 4 stars). 2 submissions from 2 submitters: Likely benign (2). Last evaluated 2026-08-01.

Allele frequency attached by ClinVar (database versions not stated): 1000 Genomes Project 30x 0.00047; 1000 Genomes Project 0.00060; gnomAD exomes 0.00122; ESP Exome Variant Server 0.00131; gnomAD 0.00134; ExAC 0.00162; TOPMed 0.00168.

Submissions (2):

CeGaT Center for Human Genetics Tuebingen
Classification: Likely benign. Last evaluated: 2026-08-01. Review status: criteria provided, single submitter. Criteria: CeGaT Center For Human Genetics Tuebingen Variant Classification Criteria Version 2. Collection method: clinical testing. Allele origin: germline. Affected: yes. Observed: 12 variant alleles.
Comment: CDC42BPB: BP4, BP7

Blueprint Genetics
Classification: Likely benign. Last evaluated: 2024-11-22. Review status: criteria provided, single submitter. Criteria: ACMG Guidelines, 2015. Collection method: clinical testing. Allele origin: germline.